The following is an entry in ClinVar:

ClinVar aggregate classification (germline): Likely benign. Review status: criteria provided, multiple submitters, no conflicts (2 of 4 stars). 5 submissions from 5 submitters: Likely benign (4). 1 of the submissions does not count toward it. Last evaluated 2025-11-17.

Conditions:
COL5A1-related disorder. Also called: COL5A1-related condition.
Ehlers-Danlos syndrome, classic type, 1 (EDSCL1). Also called: Ehlers-Danlos syndrome, type 1; EHLERS-DANLOS SYNDROME, GRAVIS TYPE; EHLERS-DANLOS SYNDROME, SEVERE CLASSIC TYPE; Ehlers-Danlos Syndrome, Classic Type, COL5A1-Related; EDS I. Identifiers: MedGen C0268335, MONDO:0019567, OMIM 130000.

Allele frequency attached by ClinVar (database versions not stated): gnomAD exomes 0.00001 and 0.00002; ExAC 0.00002; gnomAD 0.00003 and 0.00005; TOPMed 0.00006.
gnomAD v4.1: 23 of 1,613,928 alleles (0.0014%); highest among the groups gnomAD compares: African/African-American, 0.008%; no homozygotes.

Submissions (5):

Labcorp Genetics (formerly Invitae), Labcorp
Classification: Likely benign for Ehlers-Danlos syndrome, classic type, 1. Last evaluated: 2025-11-17. Review status: criteria provided, single submitter. Criteria: Invitae Variant Classification Sherloc (09022015). Collection method: clinical testing. Allele origin: germline.

Women's Health and Genetics/Laboratory Corporation of America, LabCorp
Classification: Likely benign. Last evaluated: 2025-04-23. Review status: criteria provided, single submitter. Criteria: LabCorp Variant Classification Summary - May 2015. Collection method: clinical testing. Allele origin: germline.

Blueprint Genetics
Classification: Likely benign. Last evaluated: 2024-02-20. Review status: criteria provided, single submitter. Criteria: ACMG Guidelines, 2015. Collection method: clinical testing. Allele origin: germline.

GeneDx
Classification: Likely benign. Last evaluated: 2020-01-15. Review status: criteria provided, single submitter. Criteria: GeneDx Variant Classification Process June 2021. Collection method: clinical testing. Allele origin: germline. Affected: yes.

PreventionGenetics, part of Exact Sciences
Classification: Likely benign for COL5A1-related condition. Last evaluated: 2019-05-07. Review status: no assertion criteria provided. Collection method: clinical testing. Allele origin: germline. Not counted in ClinVar's aggregate classification.
Comment: This variant is classified as likely benign based on ACMG/AMP sequence variant interpretation guidelines (Richards et al. 2015 PMID: 25741868, with internal and published modifications).

NM_000093.5(COL5A1):c.1165-8C>T

Gene: COL5A1 (collagen type V alpha 1 chain; plus strand). Cytogenetic location: 9q34.3.
Variant type: single nucleotide variant.
Coding change: c.1165-8C>T on transcript NM_000093.5 (MANE Select); 8 bases into the intron before coding-DNA position 1165, C replaced by T.
Molecular consequence: intron variant.
Genome position (GRCh38, 1-based): chr9:134,731,488, C>T. VCF-style: chr9-134731488-C-T. GRCh37 (hg19) VCF-style: chr9-137623334-C-T.
Other names: c.1165-8C>T (NM_001278074.1, NM_000093.4).
Identifiers: ClinVar variation 510924 (VCV000510924.17), dbSNP rs770303209, ClinGen allele CA5318669.